The following is an entry in ClinVar:

NM_152383.5(DIS3L2):c.2244C>T (p.Arg748=)

Gene: DIS3L2 (DIS3 like 3'-5' exoribonuclease 2; plus strand). Cytogenetic location: 2q37.1.
Variant type: single nucleotide variant.
Coding change: c.2244C>T on transcript NM_152383.5 (MANE Select); coding-DNA position 2244, C replaced by T.
Protein change: p.Arg748=; no amino-acid change (arginine 748 retained).
Molecular consequence: synonymous variant. On other transcripts: non-coding transcript variant (2), intron variant (1).
Genome position (GRCh38, 1-based): chr2:232,334,454, C>T. VCF-style: chr2-232334454-C-T. GRCh37 (hg19) VCF-style: chr2-233199164-C-T.
Other names: c.1582-8891C>T (NM_001257281.2).
Identifiers: ClinVar variation 416365 (VCV000416365.13), dbSNP rs745415974, ClinGen allele CA2164465.
Genomic context (GRCh38, chr2:232,334,454, plus strand): 5'-GCCCGATACCCTGCAGAAACAGGCGGACCACTGTAACGACCGCCGCATGGCGTCCAAGCG[C>T]GTGCAGGAGCTCAGTACCAGTCTCTTCTTTGCTGTTCTGGTCAAGGTGAGCCCTCCAGCC-3'
Protein context (NP_689596.4, residues 738-758): HCNDRRMASK[Arg748=]VQELSTSLFF

ClinVar aggregate classification (germline): Benign/Likely benign. Review status: criteria provided, multiple submitters, no conflicts (2 of 4 stars). 3 submissions from 3 submitters: Benign (1); Likely benign (1). 1 of the submissions does not count toward it. Last evaluated 2025-11-10.

Conditions:
Perlman syndrome (PRLMNS). Identifiers: Orphanet 2849, MedGen C0796113, MONDO:0009965, OMIM 267000.
DIS3L2-related disorder. Also called: DIS3L2-related condition.

Allele frequency attached by ClinVar (database versions not stated): gnomAD exomes 0.00003 and 0.00015; gnomAD 0.00004; TOPMed 0.00004; ExAC 0.00012.
gnomAD v4.1: 54 of 1,613,816 alleles (0.0033%); highest among the groups gnomAD compares: East Asian, 0.1%; no homozygotes.

Submissions (3):

Labcorp Genetics (formerly Invitae), Labcorp
Classification: Benign for Perlman syndrome. Last evaluated: 2025-11-10. Review status: criteria provided, single submitter. Criteria: Invitae Variant Classification Sherloc (09022015). Collection method: clinical testing. Allele origin: germline.

Blueprint Genetics
Classification: Likely benign. Last evaluated: 2023-08-10. Review status: criteria provided, single submitter. Criteria: ACMG Guidelines, 2015. Collection method: clinical testing. Allele origin: germline.

PreventionGenetics, part of Exact Sciences
Classification: Likely benign for DIS3L2-related condition. Last evaluated: 2022-04-25. Review status: no assertion criteria provided. Collection method: clinical testing. Allele origin: germline. Not counted in ClinVar's aggregate classification.
Comment: This variant is classified as likely benign based on ACMG/AMP sequence variant interpretation guidelines (Richards et al. 2015 PMID: 25741868, with internal and published modifications).